The following is an entry in ClinVar:

ClinVar aggregate classification (germline): Conflicting classifications of pathogenicity. Review status: criteria provided, conflicting classifications (1 of 4 stars). 3 submissions from 3 submitters: Likely pathogenic (2); Uncertain significance (1). Last evaluated 2023-06-23.

Conditions:
ABCA4-related disorder. Also called: ABCA4-related disorders; ABCA4-related condition. Identifiers: MedGen CN239167.

Submissions (3):

Labcorp Genetics (formerly Invitae), Labcorp
Classification: Likely pathogenic. Last evaluated: 2023-06-23. Review status: criteria provided, single submitter. Criteria: Invitae Variant Classification Sherloc (09022015). Collection method: clinical testing. Allele origin: germline.
Comment: This sequence change replaces valine, which is neutral and non-polar, with alanine, which is neutral and non-polar, at codon 615 of the ABCA4 protein (p.Val615Ala). This variant is not present in population databases (gnomAD no frequency). This missense change has been observed in individuals with Stargardt disease and clinical features of inherited retinal dystrophy (PMID: 29847651; Invitae). ClinVar contains an entry for this variant (Variation ID: 1066343). Advanced modeling of protein sequence and biophysical properties (such as structural, functional, and spatial information, amino acid conservation, physicochemical variation, residue mobility, and thermodynamic stability) performed at Invitae indicates that this missense variant is expected to disrupt ABCA4 protein function. In summary, the currently available evidence indicates that the variant is pathogenic, but additional data are needed to prove that conclusively. Therefore, this variant has been classified as Likely Pathogenic.

GeneDx
Classification: Uncertain significance. Last evaluated: 2021-10-19. Review status: criteria provided, single submitter. Criteria: GeneDx Variant Classification Process June 2021. Collection method: clinical testing. Allele origin: germline. Affected: yes.
Comment: Not observed in large population cohorts (Lek et al., 2016); In silico analysis supports that this missense variant has a deleterious effect on protein structure/function; Observed with a pathogenic variant in a patient with Stargardt disease in published literature, but it is not known whether the variants occurred on the same (in cis) or on different (in trans) chromosomes (Paavo et al., 2018); This variant is associated with the following publications: (PMID: 29847651)

Blueprint Genetics
Classification: Likely pathogenic for ABCA4-related disorders. Last evaluated: 2019-12-19. Review status: criteria provided, single submitter. Criteria: ACMG Guidelines, 2015. Collection method: clinical testing. Allele origin: germline. Affected: yes. Observed: 2 variant alleles.

Literature cited by the submitters: PubMed 29847651 (cited by Labcorp Genetics (formerly Invitae), Labcorp).

NM_000350.3(ABCA4):c.1844T>C (p.Val615Ala)

Gene: ABCA4 (ATP binding cassette subfamily A member 4; minus strand). Cytogenetic location: 1p22.1.
Variant type: single nucleotide variant.
Coding change: c.1844T>C on transcript NM_000350.3 (MANE Select); coding-DNA position 1844, T replaced by C.
Protein change: p.Val615Ala; replaces valine 615 with alanine.
Molecular consequence: missense variant.
Genome position (GRCh38, 1-based): chr1:94,062,670, A>G on the plus strand (T>C on the coding strand, the complement: ABCA4 is on the minus strand). VCF-style: chr1-94062670-A-G. GRCh37 (hg19) VCF-style: chr1-94528226-A-G.
Other names: c.1844T>C, p.Val615Ala (NM_001425324.1); short protein forms V615A.
Identifiers: ClinVar variation 1066343 (VCV001066343.14), dbSNP rs2101078285, ClinGen allele CA341279492.